The following is an entry in ClinVar:

ClinVar aggregate classification (germline): Uncertain significance (1 of 4 stars; one submission).

Conditions:
UCP3-related disorder. Also called: UCP3-related condition.

Submission:

PreventionGenetics, part of Exact Sciences
Classification: Uncertain significance for UCP3-related condition. Last evaluated: 2026-06-20. Review status: criteria provided, single submitter. Criteria: ACMG Guidelines, 2015. Collection method: clinical testing. Allele origin: germline.
Comment: The UCP3 c.299A>G variant is predicted to result in the amino acid substitution p.Asp100Gly. To our knowledge, this variant has not been reported in the literature or in a large population database (gnomAD), indicating this variant is rare. At this time, the clinical significance of this variant is uncertain due to the absence of conclusive functional and genetic evidence.

NM_003356.4(UCP3):c.299A>G (p.Asp100Gly)

Gene: UCP3 (uncoupling protein 3; minus strand). Cytogenetic location: 11q13.4.
Variant type: single nucleotide variant.
Coding change: c.299A>G on transcript NM_003356.4 (MANE Select); coding-DNA position 299, A replaced by G.
Protein change: p.Asp100Gly; replaces aspartic acid 100 with glycine.
Molecular consequence: missense variant.
Genome position (GRCh38, 1-based): chr11:74,006,207, T>C on the plus strand (A>G on the coding strand, the complement: UCP3 is on the minus strand). VCF-style: chr11-74006207-T-C. GRCh37 (hg19) VCF-style: chr11-73717252-T-C.
Other names: c.299A>G, p.Asp100Gly (NM_022803.3); short protein forms D100G.
Identifiers: ClinVar variation 4992749 (VCV004992749.1).
Genomic context (GRCh38, chr11:74,006,207, plus strand): 5'-GTTCAGGGACCTGGTCACTCACTGTCCGCGCCTTTGGGGGTGTACACCTGCTTGACGGAG[T>C]CATAGAGGCCGATGCGGATGGAGGCGAAGCTCATCTGGCGCTGCAGGCCGGCCACCAGCC-3'
Protein context (NP_003347.1, residues 90-110): SFASIRIGLY[Asp100Gly]SVKQVYTPKG